The following is an entry in ClinVar:

ClinVar aggregate classification (germline): Conflicting classifications of pathogenicity. Review status: criteria provided, conflicting classifications (1 of 4 stars). 7 submissions from 7 submitters: Likely pathogenic (3); Uncertain significance (4). Last evaluated 2026-07-10.

Conditions:
Argininosuccinate lyase deficiency. Also called: ARGININOSUCCINIC ACID LYASE DEFICIENCY; Argininosuccinic aciduria; ASL DEFICIENCY. Identifiers: Orphanet 23, MedGen C0268547, MONDO:0008815, OMIM 207900, HP:0025630.
Congenital portosystemic shunt. Identifiers: Orphanet 480531, MedGen C1290495, MONDO:0018811.

Allele frequency attached by ClinVar (database versions not stated): gnomAD 0.00001; gnomAD exomes 0.00001.
gnomAD v4.1: 10 of 1,612,700 alleles (0.00062%); highest among the groups gnomAD compares: East Asian, 0.018%; no homozygotes.

Submissions (7):

Myriad Genetics, Inc.
Classification: Uncertain significance for Argininosuccinate lyase deficiency. Last evaluated: 2026-07-10. Review status: criteria provided, single submitter. Criteria: Myriad Autosomal Dominant, Autosomal Recessive and X-Linked Classification Criteria (2023). Collection method: clinical testing. Allele origin: unknown.
Comment: NM_001024943.1(ASL):c.1124A>G(Y375C) is a missense variant classified as a variant of uncertain significance in the context of argininosuccinic aciduria. Y375C has been observed in a case with relevant disease (PMID: 29773863). Relevant functional assessments of this variant are not available in the literature. Y375C has been observed in referenced population frequency databases. In summary, there is insufficient evidence to classify NM_001024943.1(ASL):c.1124A>G(Y375C) as pathogenic or benign. Please note: this variant was assessed in the context of healthy population screening.

Department of Pediatrics, Graduate School of Medical Sciences, Kyushu University
Classification: Uncertain significance for Congenital portosystemic shunt. Last evaluated: 2026-02-27. Review status: criteria provided, single submitter. Criteria: ACMG Guidelines, 2015. Collection method: research. Allele origin: germline. Affected: yes.
Comment: The variant is absent or extremely rare in population databases including gnomAD. In silico prediction tools, including CADD, suggest a deleterious effect on the protein. However, the association between this gene and CPSS has not been established. Therefore, the clinical significance of this variant is currently classified as a variant of uncertain significance (VUS).

Women's Health and Genetics/Laboratory Corporation of America, LabCorp
Classification: Uncertain significance. Last evaluated: 2025-09-12. Review status: criteria provided, single submitter. Criteria: LabCorp Variant Classification Summary - May 2015. Collection method: clinical testing. Allele origin: germline.
Comment: Variant summary: ASL c.1124A>G (p.Tyr375Cys) results in a non-conservative amino acid change located in the Argininosuccinate lyase, C-terminal domain (IPR029419) of the encoded protein sequence. Algorithms developed to predict the effect of missense changes on protein structure and function all suggest that this variant is likely to be disruptive. The variant allele was found at a frequency of 8e-06 in 250094 control chromosomes (gnomAD). The available data on variant occurrences in the general population are insufficient to allow any conclusion about variant significance. c.1124A>G has been reported in the literature in at least one individual affected with Argininosuccinic Aciduria (e.g., Kim_2018). These data do not allow any conclusion about variant significance. To our knowledge, no experimental evidence demonstrating an impact on protein function has been reported. The following publication have been ascertained in the context of this evaluation (PMID: 29773863). ClinVar contains an entry for this variant (Variation ID: 360568). Based on the evidence outlined above, the variant was classified as uncertain significance.

Fulgent Genetics
Classification: Likely pathogenic for Argininosuccinate lyase deficiency. Last evaluated: 2024-04-17. Review status: criteria provided, single submitter. Criteria: ACMG Guidelines, 2015. Collection method: clinical testing. Allele origin: germline.

Labcorp Genetics (formerly Invitae), Labcorp
Classification: Likely pathogenic for Argininosuccinate lyase deficiency. Last evaluated: 2024-01-11. Review status: criteria provided, single submitter. Criteria: Invitae Variant Classification Sherloc (09022015). Collection method: clinical testing. Allele origin: germline.
Comment: This sequence change replaces tyrosine, which is neutral and polar, with cysteine, which is neutral and slightly polar, at codon 375 of the ASL protein (p.Tyr375Cys). This variant is present in population databases (no rsID available, gnomAD 0.006%). This missense change has been observed in individual(s) with argininosuccinic aciduria (PMID: 29773863). ClinVar contains an entry for this variant (Variation ID: 360568). Advanced modeling of protein sequence and biophysical properties (such as structural, functional, and spatial information, amino acid conservation, physicochemical variation, residue mobility, and thermodynamic stability) performed at Invitae indicates that this missense variant is expected to disrupt ASL protein function with a positive predictive value of 95%. In summary, the currently available evidence indicates that the variant is pathogenic, but additional data are needed to prove that conclusively. Therefore, this variant has been classified as Likely Pathogenic.

Revvity Omics, Revvity
Classification: Likely pathogenic for Argininosuccinate lyase deficiency. Last evaluated: 2021-10-20. Review status: criteria provided, single submitter. Criteria: ACMG Guidelines, 2015. Collection method: clinical testing. Allele origin: germline.

Illumina Laboratory Services, Illumina
Classification: Uncertain significance for Argininosuccinate lyase deficiency. Last evaluated: 2018-01-13. Review status: criteria provided, single submitter. Criteria: ICSL Variant Classification Criteria 13 December 2019. Collection method: clinical testing. Allele origin: germline.

Literature cited by the submitters: PubMed 29773863 (cited by 3 submitters).

NM_000048.4(ASL):c.1124A>G (p.Tyr375Cys)

Gene: ASL (argininosuccinate lyase; plus strand). Cytogenetic location: 7q11.21.
Variant type: single nucleotide variant.
Coding change: c.1124A>G on transcript NM_000048.4 (MANE Select); coding-DNA position 1124, A replaced by G.
Protein change: p.Tyr375Cys; replaces tyrosine 375 with cysteine.
Molecular consequence: missense variant.
Genome position (GRCh38, 1-based): chr7:66,092,067, A>G. VCF-style: chr7-66092067-A-G. GRCh37 (hg19) VCF-style: chr7-65557054-A-G.
Other names: c.1124A>G, p.Tyr375Cys (NM_001024943.2); c.1064A>G, p.Tyr355Cys (NM_001024944.2); c.1046A>G, p.Tyr349Cys (NM_001024946.2); short protein forms Y375C, Y355C, Y349C.
Identifiers: ClinVar variation 360568 (VCV000360568.24), dbSNP rs886062406, ClinGen allele CA10624173.